The following is an entry in ClinVar:

ClinVar aggregate classification (germline): Uncertain significance (1 of 4 stars; one submission).

Conditions:
Charcot-Marie-Tooth disease dominant intermediate C (CMTDIC). Also called: CHARCOT-MARIE-TOOTH NEUROPATHY, DOMINANT INTERMEDIATE C. Identifiers: Orphanet 100045, MedGen C1842237, MONDO:0012012, OMIM 608323.

Submission:

Labcorp Genetics (formerly Invitae), Labcorp
Classification: Uncertain significance for Charcot-Marie-Tooth disease dominant intermediate C. Last evaluated: 2020-02-26. Review status: criteria provided, single submitter. Criteria: Invitae Variant Classification Sherloc (09022015). Collection method: clinical testing. Allele origin: germline.
Comment: This sequence change replaces aspartic acid with glycine at codon 187 of the YARS protein (p.Asp187Gly). The aspartic acid residue is highly conserved and there is a moderate physicochemical difference between aspartic acid and glycine. In summary, the available evidence is currently insufficient to determine the role of this variant in disease. Therefore, it has been classified as a Variant of Uncertain Significance. Algorithms developed to predict the effect of sequence changes on RNA splicing suggest that this variant may create or strengthen a splice site, but this prediction has not been confirmed by published transcriptional studies. Algorithms developed to predict the effect of missense changes on protein structure and function are either unavailable or do not agree on the potential impact of this missense change (SIFT: "Not Available"; PolyPhen-2: "Probably Damaging"; Align-GVGD: "Not Available"). This variant has not been reported in the literature in individuals with YARS-related conditions. This variant is not present in population databases (ExAC no frequency).

NM_003680.4(YARS1):c.560A>G (p.Asp187Gly)

Gene: YARS1 (tyrosyl-tRNA synthetase 1; minus strand). Cytogenetic location: 1p35.1.
Variant type: single nucleotide variant.
Coding change: c.560A>G on transcript NM_003680.4 (MANE Select); coding-DNA position 560, A replaced by G.
Protein change: p.Asp187Gly; replaces aspartic acid 187 with glycine.
Molecular consequence: missense variant.
Genome position (GRCh38, 1-based): chr1:32,797,794, T>C on the plus strand (A>G on the coding strand, the complement: YARS1 is on the minus strand). VCF-style: chr1-32797794-T-C. GRCh37 (hg19) VCF-style: chr1-33263395-T-C.
Other names: short protein forms D187G.
Identifiers: ClinVar variation 1000518 (VCV001000518.7), dbSNP rs1653653041, ClinGen allele CA339686565.
Genomic context (GRCh38, chr1:32,797,794, plus strand): 5'-TGAAAAAAGACAGGAAAGCAGACACTCACCTTCTCTGCAAAGGTGAAAATCTTTCTCTGA[T>C]CAATGCCTCCAAATTGGGCATCTACTTTTAAATACTCTTCATCCAAAGCCTGTGGAAAGA-3'
Protein context (NP_003671.1, residues 177-197): LKVDAQFGGI[Asp187Gly]QRKIFTFAEK